The following is an entry in ClinVar:

ClinVar aggregate classification (germline): Uncertain significance. Review status: criteria provided, multiple submitters, no conflicts (2 of 4 stars). 2 submissions from 2 submitters: Uncertain significance (2). Last evaluated 2022-12-23.

Conditions:
Hereditary cancer-predisposing syndrome. Also called: Hereditary Cancer Syndrome; Tumor predisposition; Neoplastic Syndromes, Hereditary; Hereditary neoplastic syndrome. Identifiers: Orphanet 140162, MedGen C0027672, MeSH D009386, MONDO:0015356.
Ataxia-telangiectasia syndrome (AT). Also called: ATAXIA-TELANGIECTASIA, COMPLEMENTATION GROUP A; ATAXIA-TELANGIECTASIA, FRESNO VARIANT; Ataxia-telangiectasia; Ataxia-telangiectasia, complementation group E; Cerebello-oculocutaneous telangiectasia; Immunodeficiency with ataxia telangiectasia. Identifiers: Orphanet 100, MedGen C0004135, MONDO:0008840, OMIM 208900.

Submissions (2):

Labcorp Genetics (formerly Invitae), Labcorp
Classification: Uncertain significance for Ataxia-telangiectasia syndrome. Last evaluated: 2022-12-23. Review status: criteria provided, single submitter. Criteria: Invitae Variant Classification Sherloc (09022015). Collection method: clinical testing. Allele origin: germline.
Comment: This sequence change replaces histidine, which is basic and polar, with asparagine, which is neutral and polar, at codon 2555 of the ATM protein (p.His2555Asn). This variant is not present in population databases (gnomAD no frequency). This variant has not been reported in the literature in individuals affected with ATM-related conditions. ClinVar contains an entry for this variant (Variation ID: 187335). Algorithms developed to predict the effect of missense changes on protein structure and function (SIFT, PolyPhen-2, Align-GVGD) all suggest that this variant is likely to be disruptive. In summary, the available evidence is currently insufficient to determine the role of this variant in disease. Therefore, it has been classified as a Variant of Uncertain Significance.

Ambry Genetics
Classification: Uncertain significance for Hereditary cancer-predisposing syndrome. Last evaluated: 2014-11-28. Review status: criteria provided, single submitter. Criteria: Ambry Variant Classification Scheme 2023. Collection method: clinical testing. Allele origin: germline.
Comment: The p.H2555N variant (also known as c.7663C>A), located in coding exon 51 of the ATM gene, results from a C to A substitution at nucleotide position 7663. The histidine at codon 2555 is replaced by asparagine, an amino acid with similar properties. This variant was not reported in population based cohorts in the following databases: Database of Single Nucleotide Polymorphisms (dbSNP), NHLBI Exome Sequencing Project (ESP), and 1000 Genomes Project. In the ESP, this variant was not observed in 6499 samples (12998 alleles) with coverage at this position. To date, this alteration has been detected with an allele frequency of approximately 0.004% (greater than 22,000 alleles tested) in our clinical cohort. This amino acid position is highly conserved in available vertebrate species. In addition, the in silico prediction for this alteration is inconclusive. Since supporting evidence is limited at this time, the clinical significance of p.H2555N remains unclear.

NM_000051.4(ATM):c.7663C>A (p.His2555Asn)

Genes: ATM (ATM serine/threonine kinase; plus strand), C11orf65 (chromosome 11 open reading frame 65; minus strand). Cytogenetic location: 11q22.3.
Variant type: single nucleotide variant.
Coding change: c.7663C>A on transcript NM_000051.4 (MANE Select); coding-DNA position 7663, C replaced by A.
Protein change: p.His2555Asn; replaces histidine 2555 with asparagine.
Molecular consequence: missense variant. On other transcripts: intron variant (2).
Genome position (GRCh38, 1-based): chr11:108,331,912, C>A. VCF-style: chr11-108331912-C-A. GRCh37 (hg19) VCF-style: chr11-108202639-C-A.
Other names: c.7663C>A, p.His2555Asn (NM_001351834.2); c.641-22841G>T (NM_001330368.2); c.*38+3308G>T (NM_001351110.2); short protein forms H2555N.
Identifiers: ClinVar variation 187335 (VCV000187335.10), dbSNP rs786203651, ClinGen allele CA197379.